The following is an entry in ClinVar:

NM_002691.4(POLD1):c.992G>C (p.Arg331Pro)

Gene: POLD1 (DNA polymerase delta 1, catalytic subunit; plus strand). Cytogenetic location: 19q13.33.
Variant type: single nucleotide variant.
Coding change: c.992G>C on transcript NM_002691.4 (MANE Select); coding-DNA position 992, G replaced by C.
Protein change: p.Arg331Pro; replaces arginine 331 with proline.
Molecular consequence: missense variant. On other transcripts: non-coding transcript variant (1).
Genome position (GRCh38, 1-based): chr19:50,403,074, G>C. VCF-style: chr19-50403074-G-C. GRCh37 (hg19) VCF-style: chr19-50906331-G-C.
Other names: c.992G>C, p.Arg331Pro (NM_001256849.1, NM_001308632.1); short protein forms R331P.
Identifiers: ClinVar variation 486088 (VCV000486088.5), dbSNP rs371120096, ClinGen allele CA406977816.
Genomic context (GRCh38, chr19:50,403,074, plus strand): 5'-GGGGCAGGAGTCAGGCCCCTGCATCCTCCTGCCTCGCAGGCATCTTCCCTGAGCCTGAGC[G>C]GGACCCTGTCATCCAGATCTGCTCGCTGGGCCTGCGCTGGGGGGAGCCGGAGCCCTTCCT-3'
Protein context (NP_002682.2, residues 321-341): GRKGIFPEPE[Arg331Pro]DPVIQICSLG

ClinVar aggregate classification (germline): Uncertain significance (1 of 4 stars; one submission).

Conditions:
Hereditary cancer-predisposing syndrome. Also called: Tumor predisposition; Hereditary Cancer Syndrome; Hereditary neoplastic syndrome; Neoplastic Syndromes, Hereditary. Identifiers: Orphanet 140162, MedGen C0027672, MeSH D009386, MONDO:0015356.

Submission:

Ambry Genetics
Classification: Uncertain significance for Hereditary cancer-predisposing syndrome. Last evaluated: 2017-05-25. Review status: criteria provided, single submitter. Criteria: Ambry Variant Classification Scheme 2023. Collection method: clinical testing. Allele origin: germline.
Comment: The p.R331P variant (also known as c.992G>C), located in coding exon 8 of the POLD1 gene, results from a G to C substitution at nucleotide position 992. The arginine at codon 331 is replaced by proline, an amino acid with dissimilar properties. This amino acid position is not well conserved in available vertebrate species. In addition, this alteration is predicted to be tolerated by in silico analysis. Since supporting evidence is limited at this time, the clinical significance of this alteration remains unclear.